The following is an entry in ClinVar:

NM_001267550.2(TTN):c.14878T>C (p.Cys4960Arg)

Gene: TTN (titin; minus strand). Cytogenetic location: 2q31.2.
Variant type: single nucleotide variant.
Coding change: c.14878T>C on transcript NM_001267550.2 (MANE Select); coding-DNA position 14878, T replaced by C.
Protein change: p.Cys4960Arg; replaces cysteine 4960 with arginine.
Molecular consequence: missense variant. On other transcripts: intron variant (3).
Genome position (GRCh38, 1-based): chr2:178,735,568, A>G on the plus strand (T>C on the coding strand, the complement: TTN is on the minus strand). VCF-style: chr2-178735568-A-G. GRCh37 (hg19) VCF-style: chr2-179600295-A-G.
Other names: c.13927T>C, p.Cys4643Arg (NM_001256850.1); c.11146T>C, p.Cys3716Arg (NM_133378.4); c.13282+2514T>C (NM_003319.4); c.13858+2514T>C (NM_133437.4); c.13657+2514T>C (NM_133432.3); c.14878T>C (NM_001267550.1); short protein forms C3716R, C4643R, C4960R.
Identifiers: ClinVar variation 1677793 (VCV001677793.4), dbSNP rs879004875, ClinGen allele CA60981732.

ClinVar aggregate classification (germline): Uncertain significance. Review status: criteria provided, multiple submitters, no conflicts (2 of 4 stars). 4 submissions from 4 submitters: Uncertain significance (4). Last evaluated 2025-08-06.

gnomAD v4.1: 7 of 1,611,968 alleles (0.00043%); highest among the groups gnomAD compares: Non-Finnish European, 0.00059%; no homozygotes.

Submissions (4):

GeneDx
Classification: Uncertain significance. Last evaluated: 2025-08-06. Review status: criteria provided, single submitter. Criteria: GeneDx Variant Classification Process June 2021. Collection method: clinical testing. Allele origin: germline. Affected: yes.
Comment: Not observed at significant frequency in large population cohorts (gnomAD); Missense variant in a gene in which most reported pathogenic variants are truncating/loss of function; Has not been previously published as pathogenic or benign to our knowledge

Women's Health and Genetics/Laboratory Corporation of America, LabCorp
Classification: Uncertain significance. Last evaluated: 2022-08-06. Review status: criteria provided, single submitter. Criteria: LabCorp Variant Classification Summary - May 2015. Collection method: clinical testing. Allele origin: germline.

AiLife Diagnostics
Classification: Uncertain significance. Last evaluated: 2022-01-07. Review status: criteria provided, single submitter. Criteria: ACMG Guidelines, 2015. Collection method: clinical testing. Allele origin: germline. Affected: yes. Observed: 1 variant allele.

Breakthrough Genomics
Classification: Uncertain significance. Review status: criteria provided, single submitter. Criteria: ACMG Guidelines, 2015. Collection method: not provided. Allele origin: germline. Inheritance: Autosomal recessive inheritance. Affected: yes.